The following is an entry in ClinVar:

ClinVar aggregate classification (germline): Uncertain significance (1 of 4 stars; one submission).

Submission:

Labcorp Genetics (formerly Invitae), Labcorp
Classification: Uncertain significance. Last evaluated: 2024-10-28. Review status: criteria provided, single submitter. Criteria: Invitae Variant Classification Sherloc (09022015). Collection method: clinical testing. Allele origin: germline.
Comment: This sequence change replaces aspartic acid, which is acidic and polar, with glutamic acid, which is acidic and polar, at codon 138 of the ASNS protein (p.Asp138Glu). This variant is not present in population databases (gnomAD no frequency). This variant has not been reported in the literature in individuals affected with ASNS-related conditions. ClinVar contains an entry for this variant (Variation ID: 1714235). Invitae Evidence Modeling of protein sequence and biophysical properties (such as structural, functional, and spatial information, amino acid conservation, physicochemical variation, residue mobility, and thermodynamic stability) indicates that this missense variant is expected to disrupt ASNS protein function with a positive predictive value of 80%. In summary, the available evidence is currently insufficient to determine the role of this variant in disease. Therefore, it has been classified as a Variant of Uncertain Significance.

NM_001673.5(ASNS):c.414T>G (p.Asp138Glu)

Genes: ASNS (asparagine synthetase (glutamine-hydrolyzing); minus strand), CZ1P-ASNS (CZ1P-ASNS readthrough; minus strand). Cytogenetic location: 7q21.3.
Variant type: single nucleotide variant.
Coding change: c.414T>G on transcript NM_001673.5 (MANE Select); coding-DNA position 414, T replaced by G.
Protein change: p.Asp138Glu; replaces aspartic acid 138 with glutamic acid.
Molecular consequence: missense variant. On other transcripts: non-coding transcript variant (1).
Genome position (GRCh38, 1-based): chr7:97,864,332, A>C on the plus strand (T>G on the coding strand, the complement: ASNS is on the minus strand). VCF-style: chr7-97864332-A-C. GRCh37 (hg19) VCF-style: chr7-97493644-A-C.
Other names: c.351T>G, p.Asp117Glu (NM_001178075.2); c.165T>G, p.Asp55Glu (NM_001178076.2, NM_001178077.1); c.414T>G, p.Asp138Glu (NM_001352496.2, NM_133436.3, NM_183356.4); short protein forms D117E, D138E, D55E.
Identifiers: ClinVar variation 1714235 (VCV001714235.5), dbSNP rs2484682128, ClinGen allele CA368271248.